The following is an entry in ClinVar:

NM_001136191.3(KANK2):c.905_913dup (p.Gln304_Ala305insGluLeuGln)

Gene: KANK2 (KN motif and ankyrin repeat domains 2; minus strand). Cytogenetic location: 19p13.2.
Variant type: Duplication.
Coding change: c.905_913dup on transcript NM_001136191.3 (MANE Select); coding-DNA positions 905 to 913, 9 bases duplicated (AGCTGCAGG; older notation c.905_913dupAGCTGCAGG).
Protein change: p.Gln304_Ala305insGluLeuGln.
Molecular consequence: inframe insertion.
Genome position (GRCh38, 1-based): chr19:11,193,167-11,193,175, CCTGCAGCT duplicated on the plus strand (AGCTGCAGG on the coding strand, the reverse complement: KANK2 is on the minus strand); duplicating any 9 consecutive bases within chr19:11,193,167-11,193,183 gives the same sequence; the c. name uses the placement nearest the transcript's 3' end. VCF-style (leftmost placement, unchanged base first): chr19-11193166-G-GCCTGCAGCT. GRCh37 (hg19) VCF-style: chr19-11303842-G-GCCTGCAGCT.
Other names: c.905_913dup, p.Gln304_Ala305insGluLeuGln (NM_001329451.2, NM_001379548.1, NM_001379549.1 and 15 more transcripts).
Identifiers: ClinVar variation 4710560 (VCV004710560.1).

ClinVar aggregate classification (germline): Uncertain significance (1 of 4 stars; one submission).

Submission:

Labcorp Genetics (formerly Invitae), Labcorp
Classification: Uncertain significance. Last evaluated: 2025-09-10. Review status: criteria provided, single submitter. Criteria: Invitae Variant Classification Sherloc (09022015). Collection method: clinical testing. Allele origin: germline.
Comment: This variant, c.905_913dup, results in the insertion of 3 amino acid(s) of the KANK2 protein (p.Glu302_Gln304dup), but otherwise preserves the integrity of the reading frame. This variant is not present in population databases (gnomAD no frequency). This variant has not been reported in the literature in individuals affected with KANK2-related conditions. In summary, the available evidence is currently insufficient to determine the role of this variant in disease. Therefore, it has been classified as a Variant of Uncertain Significance.